The following is an entry in ClinVar:

NM_015001.3(SPEN):c.8654C>T (p.Thr2885Met)

Gene: SPEN (spen family transcriptional repressor; plus strand). Cytogenetic location: 1p36.13.
Variant type: single nucleotide variant.
Coding change: c.8654C>T on transcript NM_015001.3 (MANE Select); coding-DNA position 8654, C replaced by T.
Protein change: p.Thr2885Met; replaces threonine 2885 with methionine.
Molecular consequence: missense variant.
Genome position (GRCh38, 1-based): chr1:15,934,894, C>T. VCF-style: chr1-15934894-C-T. GRCh37 (hg19) VCF-style: chr1-16261389-C-T.
Other names: short protein forms T2885M.
Identifiers: ClinVar variation 3766110 (VCV003766110.1).

ClinVar aggregate classification (germline): Uncertain significance (1 of 4 stars; one submission).

gnomAD v4.1: 3 of 1,614,150 alleles (0.00019%); highest among the groups gnomAD compares: Non-Finnish European, 0.00017%; no homozygotes.

Submission:

GeneDx
Classification: Uncertain significance. Last evaluated: 2024-08-30. Review status: criteria provided, single submitter. Criteria: GeneDx Variant Classification Process June 2021. Collection method: clinical testing. Allele origin: germline. Affected: yes.
Comment: Not observed at significant frequency in large population cohorts (gnomAD); In silico analysis indicates that this missense variant does not alter protein structure/function; Has not been previously published as pathogenic or benign to our knowledge